The following is an entry in ClinVar:

NM_001267550.2(TTN):c.69380_69381insCCAACTATATCCTAGAGAAGAGGGATTCTGTGAACAACAAGTGGGTGACGTGCGCCTCAGCTGTCCAGAAAACCACCTTTAGAGTAACCAGACTTCATGAGGGCATGGAATATACCTTCAGGGTCAGTGCCGAAAATAAATATGGTGTAGGGGAAGGCCTGAAATCGGAGCCAATTGTTGCGAGACATCCATTTGGTAAGTGTCTTAAATTCAGAAGACGTAAAGCAAAACACGGTTTTGAGGAGGCTTCTTATTTGACA (p.Gln23127delinsHisGlnLeuTyrProArgGluGluGlyPheCysGluGlnGlnValGlyAspValArgLeuSerCysProGluAsnHisLeuTer)

Genes: TTN-AS1 (TTN antisense RNA 1; plus strand), TTN (titin; minus strand). Cytogenetic location: 2q31.2.
Variant type: Insertion.
Coding change: c.69380_69381insCCAACTATATCCTAGAGAAGAGGGATTCTGTGAACAACAAGTGGGTGACGTGCGCCTCAGCTGTCCAGAAAACCACCTTTAGAGTAACCAGACTTCATGAGGGCATGGAATATACCTTCAGGGTCAGTGCCGAAAATAAATATGGTGTAGGGGAAGGCCTGAAATCGGAGCCAATTGTTGCGAGACATCCATTTGGTAAGTGTCTTAAATTCAGAAGACGTAAAGCAAAACACGGTTTTGAGGAGGCTTCTTATTTGACA on transcript NM_001267550.2 (MANE Select); coding-DNA positions 69380 to 69381, CCAACTATATCCTAGAGAAGAGGGATTCTGTGAACAACAAGTGGGTGACGTGCGCCTCAGCTGTCCAGAAAACCACCTTTAGAGTAACCAGACTTCATGAGGGCATGGAATATACCTTCAGGGTCAGTGCCGAAAATAAATATGGTGTAGGGGAAGGCCTGAAATCGGAGCCAATTGTTGCGAGACATCCATTTGGTAAGTGTCTTAAATTCAGAAGACGTAAAGCAAAACACGGTTTTGAGGAGGCTTCTTATTTGACA inserted.
Protein change: p.Gln23127delinsHisGlnLeuTyrProArgGluGluGlyPheCysGluGlnGlnValGlyAspValArgLeuSerCysProGluAsnHisLeuTer.
Molecular consequence: nonsense.
Genome position: GRCh38: chr2:178,576,957-178,576,958. GRCh37 (hg19): chr2:179,441,684-179,441,685.
Other names: c.64457_64458insCCAACTATATCCTAGAGAAGAGGGATTCTGTGAACAACAAGTGGGTGACGTGCGCCTCAGCTGTCCAGAAAACCACCTTTAGAGTAACCAGACTTCATGAGGGCATGGAATATACCTTCAGGGTCAGTGCCGAAAATAAATATGGTGTAGGGGAAGGCCTGAAATCGGAGCCAATTGTTGCGAGACATCCATTTGGTAAGTGTCTTAAATTCAGAAGACGTAAAGCAAAACACGGTTTTGAGGAGGCTTCTTATTTGACA, p.Gln21486delinsHisGlnLeuTyrProArgGluGluGlyPheCysGluGlnGlnValGlyAspValArgLeuSerCysProGluAsnHisLeuTer (NM_001256850.1); c.42185_42186insCCAACTATATCCTAGAGAAGAGGGATTCTGTGAACAACAAGTGGGTGACGTGCGCCTCAGCTGTCCAGAAAACCACCTTTAGAGTAACCAGACTTCATGAGGGCATGGAATATACCTTCAGGGTCAGTGCCGAAAATAAATATGGTGTAGGGGAAGGCCTGAAATCGGAGCCAATTGTTGCGAGACATCCATTTGGTAAGTGTCTTAAATTCAGAAGACGTAAAGCAAAACACGGTTTTGAGGAGGCTTCTTATTTGACA, p.Gln14062delinsHisGlnLeuTyrProArgGluGluGlyPheCysGluGlnGlnValGlyAspValArgLeuSerCysProGluAsnHisLeuTer (NM_003319.4); c.61676_61677insCCAACTATATCCTAGAGAAGAGGGATTCTGTGAACAACAAGTGGGTGACGTGCGCCTCAGCTGTCCAGAAAACCACCTTTAGAGTAACCAGACTTCATGAGGGCATGGAATATACCTTCAGGGTCAGTGCCGAAAATAAATATGGTGTAGGGGAAGGCCTGAAATCGGAGCCAATTGTTGCGAGACATCCATTTGGTAAGTGTCTTAAATTCAGAAGACGTAAAGCAAAACACGGTTTTGAGGAGGCTTCTTATTTGACA, p.Gln20559delinsHisGlnLeuTyrProArgGluGluGlyPheCysGluGlnGlnValGlyAspValArgLeuSerCysProGluAsnHisLeuTer (NM_133378.4); c.42560_42561insCCAACTATATCCTAGAGAAGAGGGATTCTGTGAACAACAAGTGGGTGACGTGCGCCTCAGCTGTCCAGAAAACCACCTTTAGAGTAACCAGACTTCATGAGGGCATGGAATATACCTTCAGGGTCAGTGCCGAAAATAAATATGGTGTAGGGGAAGGCCTGAAATCGGAGCCAATTGTTGCGAGACATCCATTTGGTAAGTGTCTTAAATTCAGAAGACGTAAAGCAAAACACGGTTTTGAGGAGGCTTCTTATTTGACA, p.Gln14187delinsHisGlnLeuTyrProArgGluGluGlyPheCysGluGlnGlnValGlyAspValArgLeuSerCysProGluAsnHisLeuTer (NM_133432.3); c.42761_42762insCCAACTATATCCTAGAGAAGAGGGATTCTGTGAACAACAAGTGGGTGACGTGCGCCTCAGCTGTCCAGAAAACCACCTTTAGAGTAACCAGACTTCATGAGGGCATGGAATATACCTTCAGGGTCAGTGCCGAAAATAAATATGGTGTAGGGGAAGGCCTGAAATCGGAGCCAATTGTTGCGAGACATCCATTTGGTAAGTGTCTTAAATTCAGAAGACGTAAAGCAAAACACGGTTTTGAGGAGGCTTCTTATTTGACA, p.Gln14254delinsHisGlnLeuTyrProArgGluGluGlyPheCysGluGlnGlnValGlyAspValArgLeuSerCysProGluAsnHisLeuTer (NM_133437.4).
Identifiers: ClinVar variation 3752563 (VCV003752563.2).

ClinVar aggregate classification (germline): Likely pathogenic (1 of 4 stars; one submission).

Conditions:
Autosomal recessive limb-girdle muscular dystrophy type 2J (LGMDR10). Also called: Limb-girdle muscular dystrophy, type 2J; MUSCULAR DYSTROPHY, LIMB-GIRDLE, AUTOSOMAL RECESSIVE 10. Identifiers: Orphanet 140922, MedGen C1837342, MONDO:0012127, OMIM 608807.
Dilated cardiomyopathy 1G (CMD1G). Identifiers: Orphanet 154, MedGen C1858763, MONDO:0011400, OMIM 604145.

Submission:

Labcorp Genetics (formerly Invitae), Labcorp
Classification: Likely pathogenic for Dilated cardiomyopathy 1G; Autosomal recessive limb-girdle muscular dystrophy type 2J. Last evaluated: 2023-07-21. Review status: criteria provided, single submitter. Criteria: Invitae Variant Classification Sherloc (09022015). Collection method: clinical testing. Allele origin: germline.
Comment: In summary, the currently available evidence indicates that the variant is pathogenic, but additional data are needed to prove that conclusively. Therefore, this variant has been classified as Likely Pathogenic. This variant is located in the A band of TTN (PMID: 25589632). Truncating variants in this region are significantly overrepresented in patients affected with dilated cardiomyopathy (PMID: 25589632). Truncating variants in this region have also been reported in individuals affected with autosomal recessive centronuclear myopathy (PMID: 23975875). Algorithms developed to predict the effect of sequence changes on RNA splicing suggest that this variant may disrupt the consensus splice site. This variant has not been reported in the literature in individuals affected with TTN-related conditions. This variant is not present in population databases (gnomAD no frequency). This sequence change creates a premature translational stop signal (p.Gln23127Hisfs*28) in the TTN gene. While this is not anticipated to result in nonsense mediated decay, it is expected to create a truncated TTN protein.

Literature cited by the submitters: PubMed 25589632; PubMed 23975875.